The following is an entry in ClinVar:

NM_004360.5(CDH1):c.1295A>C (p.Asn432Thr)

Gene: CDH1 (cadherin 1; plus strand). Cytogenetic location: 16q22.1.
Variant type: single nucleotide variant.
Coding change: c.1295A>C on transcript NM_004360.5 (MANE Select); coding-DNA position 1295, A replaced by C.
Protein change: p.Asn432Thr; replaces asparagine 432 with threonine.
Molecular consequence: missense variant. On other transcripts: 5 prime UTR variant (2), intron variant (1).
Genome position (GRCh38, 1-based): chr16:68,813,470, A>C. VCF-style: chr16-68813470-A-C. GRCh37 (hg19) VCF-style: chr16-68847373-A-C.
Other names: c.-321A>C (NM_001317185.2); c.-525A>C (NM_001317186.2); c.1137+1207A>C (NM_001317184.2); short protein forms N432T.
Identifiers: ClinVar variation 4223619 (VCV004223619.1).

ClinVar aggregate classification (germline): Uncertain significance (1 of 4 stars; one submission).

Conditions:
Hereditary cancer-predisposing syndrome. Also called: Hereditary Cancer Syndrome; Hereditary neoplastic syndrome; Neoplastic Syndromes, Hereditary; Tumor predisposition. Identifiers: Orphanet 140162, MedGen C0027672, MeSH D009386, MONDO:0015356.

Submission:

Ambry Genetics
Classification: Uncertain significance for Hereditary cancer-predisposing syndrome. Last evaluated: 2025-09-07. Review status: criteria provided, single submitter. Criteria: Ambry Variant Classification Scheme 2023. Collection method: clinical testing. Allele origin: germline.
Comment: The p.N432T variant (also known as c.1295A>C), located in coding exon 9 of the CDH1 gene, results from an A to C substitution at nucleotide position 1295. The asparagine at codon 432 is replaced by threonine, an amino acid with similar properties. This amino acid position is conserved. In addition, this alteration is predicted to be tolerated by in silico analysis. Based on the available evidence, the clinical significance of this variant remains unclear.